The following is an entry in ClinVar:

ClinVar aggregate classification (germline): Benign. Review status: criteria provided, single submitter (1 of 4 stars). 2 submissions from 2 submitters: Benign (1). 1 of the submissions does not count toward it. Last evaluated 2018-10-09.

Conditions:
ZMYM3-related disorder. Also called: ZMYM3-related condition.

Allele frequency attached by ClinVar (database versions not stated): gnomAD exomes 0.00049 and 0.00162; ExAC 0.00314; 1000 Genomes Project 30x 0.00437; 1000 Genomes Project 0.00450; gnomAD 0.00527 and 0.00572; TOPMed 0.00575; ESP Exome Variant Server 0.00786.
gnomAD v4.1: 1,114 of 1,173,233 alleles (0.095%); highest among the groups gnomAD compares: African/African-American, 1.8%; 6 homozygotes.

Submissions (2):

Labcorp Genetics (formerly Invitae), Labcorp
Classification: Benign. Last evaluated: 2018-10-09. Review status: criteria provided, single submitter. Criteria: Invitae Variant Classification Sherloc (09022015). Collection method: clinical testing. Allele origin: germline.

PreventionGenetics, part of Exact Sciences
Classification: Benign for ZMYM3-related condition. Last evaluated: 2019-04-11. Review status: no assertion criteria provided. Collection method: clinical testing. Allele origin: germline. Not counted in ClinVar's aggregate classification.
Comment: This variant is classified as benign based on ACMG/AMP sequence variant interpretation guidelines (Richards et al. 2015 PMID: 25741868, with internal and published modifications).

NM_201599.3(ZMYM3):c.3803-4A>G

Gene: ZMYM3 (zinc finger MYM-type containing 3; minus strand). Cytogenetic location: Xq13.1.
Variant type: single nucleotide variant.
Coding change: c.3803-4A>G on transcript NM_201599.3 (MANE Select); 4 bases into the intron before coding-DNA position 3803, A replaced by G.
Molecular consequence: intron variant.
Genome position (GRCh38, 1-based): chrX:71,241,348, T>C on the plus strand (A>G on the coding strand, the complement: ZMYM3 is on the minus strand). VCF-style: chrX-71241348-T-C. GRCh37 (hg19) VCF-style: chrX-70461198-T-C.
Other names: c.3767-4A>G (NM_001171162.1); c.3803-4A>G (NM_005096.3).
Identifiers: ClinVar variation 711143 (VCV000711143.5), dbSNP rs140663879, ClinGen allele CA10445406.